The following is an entry in ClinVar:

ClinVar aggregate classification (germline): Uncertain significance (1 of 4 stars; one submission).

Conditions:
Hypertrophic cardiomyopathy. Also called: HYPERTROPHIC MYOCARDIOPATHY. Identifiers: Orphanet 217569, MedGen C0007194, MeSH D002312, MONDO:0005045, HP:0001639.

Submission:

All of Us Research Program, National Institutes of Health
Classification: Uncertain significance for Hypertrophic cardiomyopathy. Last evaluated: 2024-03-05. Review status: criteria provided, single submitter. Criteria: ACMG Guidelines, 2015. Collection method: clinical testing. Allele origin: germline. Inheritance: Autosomal dominant inheritance. Observed: 1 variant allele, 1 heterozygote.
Comment: This study involves interpretation of variants in research participants for the purpose of population health screening. Participant phenotype was not available at the time of variant classification. Additional details can be found in publication PMID: 35346344, PMCID: PMC8962531

NM_000432.4(MYL2):c.399_400insTCTCACTCT (p.Glu133_Glu134insSerHisSer)

Gene: MYL2 (myosin light chain 2; minus strand). Cytogenetic location: 12q24.11.
Variant type: Insertion.
Coding change: c.399_400insTCTCACTCT on transcript NM_000432.4 (MANE Select); coding-DNA positions 399 to 400, TCTCACTCT inserted.
Protein change: p.Glu133_Glu134insSerHisSer.
Genome position: GRCh38 VCF-style: chr12-110913098-C-CAGAGTGAGA. GRCh37 (hg19) VCF-style: chr12-111350902-C-CAGAGTGAGA.
Other names: c.357_358insTCTCACTCT, p.Glu119_Glu120insSerHisSer (NM_001406745.1); c.342_343insTCTCACTCT, p.Glu114_Glu115insSerHisSer (NM_001406916.1).
Identifiers: ClinVar variation 3387368 (VCV003387368.1).